The following is an entry in ClinVar:

ClinVar aggregate classification (germline): Uncertain significance (1 of 4 stars; one submission).

gnomAD v4.1: 1 of 1,611,482 alleles (0.000062%); no homozygotes.

Submission:

Labcorp Genetics (formerly Invitae), Labcorp
Classification: Uncertain significance. Last evaluated: 2022-08-12. Review status: criteria provided, single submitter. Criteria: Invitae Variant Classification Sherloc (09022015). Collection method: clinical testing. Allele origin: germline.
Comment: In summary, the available evidence is currently insufficient to determine the role of this variant in disease. Therefore, it has been classified as a Variant of Uncertain Significance. Advanced modeling of protein sequence and biophysical properties (such as structural, functional, and spatial information, amino acid conservation, physicochemical variation, residue mobility, and thermodynamic stability) performed at Invitae indicates that this missense variant is expected to disrupt HNF1A protein function. This variant has not been reported in the literature in individuals affected with HNF1A-related conditions. This sequence change replaces lysine, which is basic and polar, with glutamine, which is neutral and polar, at codon 87 of the HNF1A protein (p.Lys87Gln). This variant is not present in population databases (gnomAD no frequency).

NM_000545.8(HNF1A):c.259A>C (p.Lys87Gln)

Gene: HNF1A (HNF1 homeobox A; plus strand). Cytogenetic location: 12q24.31.
Variant type: single nucleotide variant.
Coding change: c.259A>C on transcript NM_000545.8 (MANE Select); coding-DNA position 259, A replaced by C.
Protein change: p.Lys87Gln; replaces lysine 87 with glutamine.
Molecular consequence: missense variant.
Genome position (GRCh38, 1-based): chr12:120,979,027, A>C. VCF-style: chr12-120979027-A-C. GRCh37 (hg19) VCF-style: chr12-121416830-A-C.
Other names: c.259A>C, p.Lys87Gln (NM_001306179.2, NM_001406915.1); short protein forms K87Q.
Identifiers: ClinVar variation 2145209 (VCV002145209.4), dbSNP rs2135820197, ClinGen allele CA386954170.